The following is an entry in ClinVar:

ClinVar aggregate classification (germline): Uncertain significance. Review status: criteria provided, multiple submitters, no conflicts (2 of 4 stars). 2 submissions from 2 submitters: Uncertain significance (2). Last evaluated 2025-11-17.

Conditions:
Curry-Hall syndrome (WAD). Also called: WEYERS ACRODENTAL DYSOSTOSIS. Identifiers: Orphanet 952, MedGen C0457013, MONDO:0008673, OMIM 193530.
Ellis-van Creveld syndrome (EVC). Also called: Chondroectodermal dysplasia; MESOECTODERMAL DYSPLASIA. Identifiers: Orphanet 289, MedGen C0013903, MONDO:0009162, OMIM 225500.

Submissions (2):

Dasa
Classification: Uncertain significance. Last evaluated: 2025-11-17. Review status: criteria provided, single submitter. Criteria: DASA Assertion Criteria. Collection method: clinical testing. Allele origin: germline.
Comment: NM_147127.5(EVC2):c.1353G>A (p.Met451Ile) is a missense variant that results in the substitution of methionine with isoleucine. This variant is rare in population databases. The currently available literature and clinical evidence are not sufficient to establish a definitive association between this variant and the reported condition. Therefore, this variant is classified as a variant of uncertain significance.

Labcorp Genetics (formerly Invitae), Labcorp
Classification: Uncertain significance for Curry-Hall syndrome; Ellis-van Creveld syndrome. Last evaluated: 2024-12-16. Review status: criteria provided, single submitter. Criteria: Invitae Variant Classification Sherloc (09022015). Collection method: clinical testing. Allele origin: germline.
Comment: This sequence change replaces methionine, which is neutral and non-polar, with isoleucine, which is neutral and non-polar, at codon 451 of the EVC2 protein (p.Met451Ile). This variant is not present in population databases (gnomAD no frequency). This variant has not been reported in the literature in individuals affected with EVC2-related conditions. An algorithm developed to predict the effect of missense changes on protein structure and function (PolyPhen-2) suggests that this variant is likely to be tolerated. In summary, the available evidence is currently insufficient to determine the role of this variant in disease. Therefore, it has been classified as a Variant of Uncertain Significance.

NM_147127.5(EVC2):c.1353G>A (p.Met451Ile)

Genes: EVC2 (EvC ciliary complex subunit 2; minus strand), LOC126806961 (BRD4-independent group 4 enhancer GRCh37_chr4:5641443-5642642; plus strand). Cytogenetic location: 4p16.2.
Variant type: single nucleotide variant.
Coding change: c.1353G>A on transcript NM_147127.5 (MANE Select); coding-DNA position 1353, G replaced by A.
Protein change: p.Met451Ile; replaces methionine 451 with isoleucine.
Molecular consequence: missense variant.
Genome position (GRCh38, 1-based): chr4:5,640,631, C>T on the plus strand (G>A on the coding strand, the complement: EVC2 is on the minus strand). VCF-style: chr4-5640631-C-T. GRCh37 (hg19) VCF-style: chr4-5642358-C-T.
Other names: c.1113G>A, p.Met371Ile (NM_001166136.2); short protein forms M371I, M451I.
Identifiers: ClinVar variation 3762903 (VCV003762903.4).